The following is an entry in ClinVar:

NM_001103146.3(GIGYF2):c.3645G>A (p.Gln1215=)

Gene: GIGYF2 (GRB10 interacting GYF protein 2; plus strand). Cytogenetic location: 2q37.1.
Variant type: single nucleotide variant.
Coding change: c.3645G>A on transcript NM_001103146.3 (MANE Select); coding-DNA position 3645, G replaced by A.
Protein change: p.Gln1215=; no amino-acid change (glutamine 1215 retained).
Molecular consequence: synonymous variant. On other transcripts: non-coding transcript variant (1).
Genome position (GRCh38, 1-based): chr2:232,847,532, G>A. VCF-style: chr2-232847532-G-A. GRCh37 (hg19) VCF-style: chr2-233712242-G-A.
Other names: p.Gln1215=; c.3645G>A (NM_001103146.2); c.3708G>A, p.Gln1236= (NM_001103147.2); c.3627G>A, p.Gln1209= (NM_001103148.2); c.3645G>A, p.Gln1215= (NM_015575.4).
Identifiers: ClinVar variation 3043365 (VCV003043365.4), dbSNP rs529277698, ClinGen allele CA2170940.

ClinVar aggregate classification (germline): Likely benign. Review status: criteria provided, multiple submitters, no conflicts (2 of 4 stars). 3 submissions from 3 submitters: Likely benign (2). 1 of the submissions does not count toward it. Last evaluated 2025-09-09.

Conditions:
GIGYF2-related disorder. Also called: GIGYF2-related condition.

Allele frequency attached by ClinVar (database versions not stated): TOPMed 0.00004; gnomAD 0.00013; 1000 Genomes Project 0.00060; ExAC 0.00064.
gnomAD v4.1: 469 of 1,600,306 alleles (0.029%); highest among the groups gnomAD compares: South Asian, 0.47%; 6 homozygotes.

Submissions (3):

Mayo Clinic Laboratories, Mayo Clinic
Classification: Likely benign. Last evaluated: 2025-09-09. Review status: criteria provided, single submitter. Criteria: ACMG Guidelines, 2015. Collection method: clinical testing. Allele origin: germline. Observed: 1 variant allele.
Comment: BS2, BP4, BP7

Blueprint Genetics
Classification: Likely benign. Last evaluated: 2024-11-17. Review status: criteria provided, single submitter. Criteria: ACMG Guidelines, 2015. Collection method: clinical testing. Allele origin: germline.

PreventionGenetics, part of Exact Sciences
Classification: Likely benign for GIGYF2-related condition. Last evaluated: 2019-06-19. Review status: no assertion criteria provided. Collection method: clinical testing. Allele origin: germline. Not counted in ClinVar's aggregate classification.
Comment: This variant is classified as likely benign based on ACMG/AMP sequence variant interpretation guidelines (Richards et al. 2015 PMID: 25741868, with internal and published modifications).